The following is an entry in ClinVar:

ClinVar aggregate classification (germline): Uncertain significance. Review status: criteria provided, multiple submitters, no conflicts (2 of 4 stars). 2 submissions from 2 submitters: Uncertain significance (2). Last evaluated 2025-03-18.

Conditions:
Combined immunodeficiency due to LRBA deficiency. Also called: Common variable immunodeficiency 8, with autoimmunity. Identifiers: Orphanet 445018, MedGen C3553512, MONDO:0013863, OMIM 614700.

Allele frequency attached by ClinVar (database versions not stated): gnomAD 0.00001; TOPMed 0.00001.
gnomAD v4.1: 2 of 1,613,988 alleles (0.00012%); highest among the groups gnomAD compares: Admixed American, 0.0017%; no homozygotes.

Submissions (2):

Labcorp Genetics (formerly Invitae), Labcorp
Classification: Uncertain significance for Combined immunodeficiency due to LRBA deficiency. Last evaluated: 2025-03-18. Review status: criteria provided, single submitter. Criteria: Invitae Variant Classification Sherloc (09022015). Collection method: clinical testing. Allele origin: germline.
Comment: This sequence change replaces glutamic acid, which is acidic and polar, with lysine, which is basic and polar, at codon 2738 of the LRBA protein (p.Glu2738Lys). This variant is not present in population databases (gnomAD no frequency). This variant has not been reported in the literature in individuals affected with LRBA-related conditions. ClinVar contains an entry for this variant (Variation ID: 1352438). Invitae Evidence Modeling of protein sequence and biophysical properties (such as structural, functional, and spatial information, amino acid conservation, physicochemical variation, residue mobility, and thermodynamic stability) indicates that this missense variant is not expected to disrupt LRBA protein function with a negative predictive value of 80%. In summary, the available evidence is currently insufficient to determine the role of this variant in disease. Therefore, it has been classified as a Variant of Uncertain Significance.

Blueprint Genetics
Classification: Uncertain significance. Last evaluated: 2024-01-30. Review status: criteria provided, single submitter. Criteria: ACMG Guidelines, 2015. Collection method: clinical testing. Allele origin: germline.

NM_001364905.1(LRBA):c.8179G>A (p.Glu2727Lys)

Gene: LRBA (LPS responsive beige-like anchor protein; minus strand). Cytogenetic location: 4q31.3.
Variant type: single nucleotide variant.
Coding change: c.8179G>A on transcript NM_001364905.1 (MANE Select); coding-DNA position 8179, G replaced by A.
Protein change: p.Glu2727Lys; replaces glutamic acid 2727 with lysine.
Molecular consequence: missense variant.
Genome position (GRCh38, 1-based): chr4:150,282,587, C>T on the plus strand (G>A on the coding strand, the complement: LRBA is on the minus strand). VCF-style: chr4-150282587-C-T. GRCh37 (hg19) VCF-style: chr4-151203739-C-T.
Other names: c.8176G>A, p.Glu2726Lys (NM_001199282.3); c.8194G>A, p.Glu2732Lys (NM_001367550.1); c.8212G>A, p.Glu2738Lys (NM_006726.5); short protein forms E2738K, E2726K, E2727K, E2732K.
Identifiers: ClinVar variation 1352438 (VCV001352438.7), dbSNP rs976207318, ClinGen allele CA107810514.